The following is an entry in ClinVar:

ClinVar aggregate classification (germline): Conflicting classifications of pathogenicity. Review status: criteria provided, conflicting classifications (1 of 4 stars). 2 submissions from 2 submitters: Uncertain significance (1); Likely benign (1). Last evaluated 2025-02-17.

Conditions:
Inherited prion disease. Identifiers: Orphanet 280400, MedGen C5679775, MONDO:0017234.
Huntington disease-like 1 (HDL1). Also called: HUNTINGTON-LIKE NEURODEGENERATIVE DISORDER 1; HUNTINGTON-LIKE NEURODEGENERATIVE DISORDER, AUTOSOMAL DOMINANT; PRION DISEASE, EARLY-ONSET, WITH PROMINENT PSYCHIATRIC FEATURES. Identifiers: Orphanet 157941, MedGen C1864112, MONDO:0011299, OMIM 603218.

Allele frequency attached by ClinVar (database versions not stated): gnomAD exomes 0.00002; TOPMed 0.00002; ExAC 0.00003; gnomAD 0.00003.
gnomAD v4.1: 30 of 1,613,912 alleles (0.0019%); highest among the groups gnomAD compares: African/African-American, 0.0027%; no homozygotes.

Submissions (2):

Labcorp Genetics (formerly Invitae), Labcorp
Classification: Uncertain significance for Huntington disease-like 1. Last evaluated: 2025-02-17. Review status: criteria provided, single submitter. Criteria: Invitae Variant Classification Sherloc (09022015). Collection method: clinical testing. Allele origin: germline.
Comment: This sequence change replaces alanine, which is neutral and non-polar, with valine, which is neutral and non-polar, at codon 2 of the PRNP protein (p.Ala2Val). This variant is present in population databases (rs748227837, gnomAD 0.006%). This variant has not been reported in the literature in individuals affected with PRNP-related conditions. ClinVar contains an entry for this variant (Variation ID: 899176). An algorithm developed to predict the effect of missense changes on protein structure and function outputs the following: PolyPhen-2: "Benign". The valine amino acid residue is found in multiple mammalian species, which suggests that this missense change does not adversely affect protein function. In summary, the available evidence is currently insufficient to determine the role of this variant in disease. Therefore, it has been classified as a Variant of Uncertain Significance.

Illumina Laboratory Services, Illumina
Classification: Likely benign for Genetic prion diseases. Last evaluated: 2017-06-28. Review status: criteria provided, single submitter. Criteria: ICSL Variant Classification Criteria 13 December 2019. Collection method: clinical testing. Allele origin: germline.
Comment: This variant was observed as part of a predisposition screen in an ostensibly healthy population. A literature search was performed for the gene, cDNA change, and amino acid change (where applicable). No publications were found based on this search. Allele frequency data from public databases allowed determination this variant is unlikely to cause disease. Therefore, this variant is classified as likely benign.

NM_000311.5(PRNP):c.5C>T (p.Ala2Val)

Gene: PRNP (prion protein (Kanno blood group); plus strand). Cytogenetic location: 20p13.
Variant type: single nucleotide variant.
Coding change: c.5C>T on transcript NM_000311.5 (MANE Select); coding-DNA position 5, C replaced by T.
Protein change: p.Ala2Val; replaces alanine 2 with valine.
Molecular consequence: missense variant. On other transcripts: 5 prime UTR variant (1).
Genome position (GRCh38, 1-based): chr20:4,699,225, C>T. VCF-style: chr20-4699225-C-T. GRCh37 (hg19) VCF-style: chr20-4679871-C-T.
Other names: c.5C>T, p.Ala2Val (NM_001080121.3, NM_001080122.3, NM_001080123.3 and 1 more transcripts); c.-85C>T (NM_001271561.3); short protein forms A2V.
Identifiers: ClinVar variation 899176 (VCV000899176.9), dbSNP rs748227837, ClinGen allele CA9751991.